The following is an entry in ClinVar:

NC_012920.1(MT-ND4):m.11913C>T

Gene: MT-ND4 (mitochondrially encoded NADH dehydrogenase 4; plus strand).
Variant type: single nucleotide variant.
Genome position: chrM-11913-C-T.
Identifiers: ClinVar variation 693384 (VCV000693384.1), dbSNP rs1603223463, ClinGen allele CA414811646.

ClinVar aggregate classification (germline): Uncertain significance (1 of 4 stars; one submission).

Conditions:
Leigh syndrome (NULS). Also called: Leigh's necrotizing encephalopathy; Leigh's disease; Leigh Syndrome (mtDNA deletion); Leigh Disease; Subacute necrotizing encephalopathy; Necrotizing encephalopathy infantile subacute of Leigh. Identifiers: Orphanet 506, MedGen C2931891, MONDO:0009723, OMIM 256000.

Submission:

Wong Mito Lab, Molecular and Human Genetics, Baylor College of Medicine
Classification: Uncertain significance for Leigh syndrome. Last evaluated: 2019-10-17. Review status: criteria provided, single submitter. Criteria: Modified ACMG Guidelines (Unpublished). Collection method: clinical testing. Allele origin: germline.
Comment: The NC_012920.1:m.11913C>T (YP_003024035.1:p.Thr385Met) variant in MTND4 gene is interpretated to be a Uncertain Significance variant based on the modified ACMG guidelines (unpublished). This variant meets the following evidence codes: PP6, PP7, BP4